The following is an entry in ClinVar:

ClinVar aggregate classification (germline): Uncertain significance (1 of 4 stars; one submission).

Submission:

Labcorp Genetics (formerly Invitae), Labcorp
Classification: Uncertain significance. Last evaluated: 2025-03-30. Review status: criteria provided, single submitter. Criteria: Invitae Variant Classification Sherloc (09022015). Collection method: clinical testing. Allele origin: germline.
Comment: This sequence change replaces proline, which is neutral and non-polar, with leucine, which is neutral and non-polar, at codon 3162 of the SRCAP protein (p.Pro3162Leu). Information on the frequency of this variant in the gnomAD database is not available, as this variant may be reported differently in the database. This variant has not been reported in the literature in individuals affected with SRCAP-related conditions. Experimental studies and prediction algorithms are not available or were not evaluated, and the functional significance of this variant is currently unknown. In summary, the available evidence is currently insufficient to determine the role of this variant in disease. Therefore, it has been classified as a Variant of Uncertain Significance.

NM_006662.3(SRCAP):c.9485_9486delinsTT (p.Pro3162Leu)

Gene: SRCAP (Snf2 related CREBBP activator protein; plus strand). Cytogenetic location: 16p11.2.
Variant type: Indel.
Coding change: c.9485_9486delinsTT on transcript NM_006662.3 (MANE Select); coding-DNA positions 9485 to 9486, CC replaced by TT.
Protein change: p.Pro3162Leu; replaces proline 3162 with leucine.
Molecular consequence: missense variant.
Genome position (GRCh38, 1-based): chr16:30,739,525-30,739,526, CC replaced by TT. VCF-style: chr16-30739525-CC-TT. GRCh37 (hg19) VCF-style: chr16-30750846-CC-TT.
Other names: short protein forms P3162L.
Identifiers: ClinVar variation 4716339 (VCV004716339.1).